The following is an entry in ClinVar:

ClinVar aggregate classification (germline): Likely benign. Review status: criteria provided, multiple submitters, no conflicts (2 of 4 stars). 3 submissions from 3 submitters: Likely benign (3). Last evaluated 2025-07-10.

Conditions:
KBG syndrome (KBGS). Also called: ANKRD11-Related KBG Syndrome. Identifiers: Orphanet 2332, MedGen C0220687, MONDO:0007846, OMIM 148050.
ANKRD11-related disorder. Also called: ANKRD11-related condition.

gnomAD v4.1: 19 of 1,613,438 alleles (0.0012%); highest among the groups gnomAD compares: Non-Finnish European, 0.0015%; no homozygotes.

Submissions (3):

PreventionGenetics, part of Exact Sciences
Classification: Likely benign for ANKRD11-related condition. Last evaluated: 2025-07-10. Review status: criteria provided, single submitter. Criteria: ACMG Guidelines, 2015. Collection method: clinical testing. Allele origin: germline.
Comment: This variant is classified as likely benign based on ACMG/AMP sequence variant interpretation guidelines (Richards et al. 2015 PMID: 25741868, with internal and published modifications).

Labcorp Genetics (formerly Invitae), Labcorp
Classification: Likely benign for KBG syndrome. Last evaluated: 2024-05-10. Review status: criteria provided, single submitter. Criteria: Invitae Variant Classification Sherloc (09022015). Collection method: clinical testing. Allele origin: germline.

Blueprint Genetics
Classification: Likely benign. Last evaluated: 2020-09-16. Review status: criteria provided, single submitter. Criteria: ACMG Guidelines, 2015. Collection method: clinical testing. Allele origin: germline.

NM_013275.6(ANKRD11):c.336C>G (p.Ser112=)

Gene: ANKRD11 (ankyrin repeat domain 11; minus strand). Cytogenetic location: 16q24.3.
Variant type: single nucleotide variant.
Coding change: c.336C>G on transcript NM_013275.6 (MANE Select); coding-DNA position 336, C replaced by G.
Protein change: p.Ser112=; no amino-acid change (serine 112 retained).
Molecular consequence: synonymous variant. On other transcripts: non-coding transcript variant (1).
Genome position (GRCh38, 1-based): chr16:89,291,074, G>C on the plus strand (C>G on the coding strand, the complement: ANKRD11 is on the minus strand). VCF-style: chr16-89291074-G-C. GRCh37 (hg19) VCF-style: chr16-89357482-G-C.
Other names: c.336C>G (NM_013275.5); c.336C>G, p.Ser112= (NM_001256182.2, NM_001256183.2).
Identifiers: ClinVar variation 3705663 (VCV003705663.4).
Genomic context (GRCh38, chr16:89,291,074, plus strand): 5'-TGGGCTGTTGGCAGACTCCTCGGCCGTCATCTGCATGAGAAGGGCCACCTGCTGGCGCTC[G>C]GAGAGGGGGTAGCCGGCTCGGATTCCAGACAGCCCCATGCCAAACAGCAGCCCGGCCTTC-3'
Protein context (NP_037407.4, residues 102-122): LSGIRAGYPL[Ser112=]ERQQVALLMQ